The following is an entry in ClinVar:

NM_001035.3(RYR2):c.2614-346C>T

Gene: RYR2 (ryanodine receptor 2; plus strand). Cytogenetic location: 1q43.
Variant type: single nucleotide variant.
Coding change: c.2614-346C>T on transcript NM_001035.3 (MANE Select); 346 bases into the intron before coding-DNA position 2614, C replaced by T.
Molecular consequence: intron variant.
Genome position (GRCh38, 1-based): chr1:237,506,364, C>T. VCF-style: chr1-237506364-C-T. GRCh37 (hg19) VCF-style: chr1-237669664-C-T.
Identifiers: ClinVar variation 669961 (VCV000669961.1), dbSNP rs147074840, ClinGen allele CA39781946.

ClinVar aggregate classification (germline): Benign (1 of 4 stars; one submission).

Allele frequency attached by ClinVar (database versions not stated): gnomAD 0.03403 and 0.03624; 1000 Genomes Project 0.04293; 1000 Genomes Project 30x 0.04497.
gnomAD v4.1: 5,120 of 152,010 alleles (3.4%); highest among the groups gnomAD compares: African/African-American, 12%; 274 homozygotes.

Submission:

GeneDx
Classification: Benign. Last evaluated: 2018-06-14. Review status: criteria provided, single submitter. Criteria: GeneDx Variant Classification (06012015). Collection method: clinical testing. Allele origin: germline. Affected: yes.
Comment: This variant is considered likely benign or benign based on one or more of the following criteria: it is a conservative change, it occurs at a poorly conserved position in the protein, it is predicted to be benign by multiple in silico algorithms, and/or has population frequency not consistent with disease.